The following is an entry in ClinVar:

NM_001458.5(FLNC):c.856G>A (p.Glu286Lys)

Gene: FLNC (filamin C; plus strand). Cytogenetic location: 7q32.1.
Variant type: single nucleotide variant.
Coding change: c.856G>A on transcript NM_001458.5 (MANE Select); coding-DNA position 856, G replaced by A.
Protein change: p.Glu286Lys; replaces glutamic acid 286 with lysine.
Molecular consequence: missense variant.
Genome position (GRCh38, 1-based): chr7:128,837,642, G>A. VCF-style: chr7-128837642-G-A. GRCh37 (hg19) VCF-style: chr7-128477696-G-A.
Other names: c.856G>A, p.Glu286Lys (NM_001127487.2); short protein forms E286K.
Identifiers: ClinVar variation 1412484 (VCV001412484.6), dbSNP rs1274480597, ClinGen allele CA369222855.
Genomic context (GRCh38, chr7:128,837,642, plus strand): 5'-GCTGGGCACATGTAGGCTCTCCCTGAGTAACCTGGGCTCTGCTCCTGCCCCGTAGGCATC[G>A]AGCCACAGGGCAACACCGTGCTGCAGCCTGCCCACTTCACCGTGCAGACGGTGGACGCGG-3'
Protein context (NP_001449.3, residues 276-296): KKAIAYGPGI[Glu286Lys]PQGNTVLQPA

ClinVar aggregate classification (germline): Uncertain significance (1 of 4 stars; one submission).

Conditions:
Distal myopathy with posterior leg and anterior hand involvement. Also called: WILLIAMS DISTAL MYOPATHY. Identifiers: Orphanet 63273, MedGen C3279722, MONDO:0013550, OMIM 614065.
Hypertrophic cardiomyopathy 26. Also called: Cardiomyopathy, familial hypertrophic, 26. Identifiers: Orphanet 75249, MedGen C4310749, MONDO:0014883, OMIM 617047.
Myofibrillar myopathy 5. Also called: Filaminopathy (type); FILAMINOPATHY, AUTOSOMAL DOMINANT. Identifiers: Orphanet 171445, MedGen C1836050, MONDO:0012289, OMIM 609524.

Allele frequency attached by ClinVar (database versions not stated): gnomAD 0.00001; gnomAD exomes 0.00001.
gnomAD v4.1: 8 of 1,612,504 alleles (0.0005%); highest among the groups gnomAD compares: South Asian, 0.0022%; no homozygotes.

Submission:

Labcorp Genetics (formerly Invitae), Labcorp
Classification: Uncertain significance for Distal myopathy with posterior leg and anterior hand involvement; Myofibrillar myopathy 5; Hypertrophic cardiomyopathy 26. Last evaluated: 2025-07-06. Review status: criteria provided, single submitter. Criteria: Invitae Variant Classification Sherloc (09022015). Collection method: clinical testing. Allele origin: germline.
Comment: This sequence change replaces glutamic acid, which is acidic and polar, with lysine, which is basic and polar, at codon 286 of the FLNC protein (p.Glu286Lys). This variant is present in population databases (no rsID available, gnomAD 0.0009%). This variant has not been reported in the literature in individuals affected with FLNC-related conditions. ClinVar contains an entry for this variant (Variation ID: 1412484). Invitae Evidence Modeling of protein sequence and biophysical properties (such as structural, functional, and spatial information, amino acid conservation, physicochemical variation, residue mobility, and thermodynamic stability) has been performed for this missense variant. However, the output from this modeling did not meet the statistical confidence thresholds required to predict the impact of this variant on FLNC protein function. In summary, the available evidence is currently insufficient to determine the role of this variant in disease. Therefore, it has been classified as a Variant of Uncertain Significance.